The following is an entry in ClinVar:

NM_032119.4(ADGRV1):c.10188C>T (p.Phe3396=)

Gene: ADGRV1 (adhesion G protein-coupled receptor V1; plus strand). Cytogenetic location: 5q14.3.
Variant type: single nucleotide variant.
Coding change: c.10188C>T on transcript NM_032119.4 (MANE Select); coding-DNA position 10188, C replaced by T.
Protein change: p.Phe3396=; no amino-acid change (phenylalanine 3396 retained).
Molecular consequence: synonymous variant. On other transcripts: non-coding transcript variant (1).
Genome position (GRCh38, 1-based): chr5:90,728,695, C>T. VCF-style: chr5-90728695-C-T. GRCh37 (hg19) VCF-style: chr5-90024512-C-T.
Other names: c.10188C>T (NM_032119.3).
Identifiers: ClinVar variation 2786238 (VCV002786238.4), dbSNP rs760967742, ClinGen allele CA3340701.

ClinVar aggregate classification (germline): Likely benign. Review status: criteria provided, multiple submitters, no conflicts (2 of 4 stars). 2 submissions from 2 submitters: Likely benign (2). Last evaluated 2026-02-24.

Conditions:
ADGRV1-related disorder. Also called: ADGRV1-related condition; ADGRV1-related disorders.

Allele frequency attached by ClinVar (database versions not stated): ExAC 0.00001; gnomAD 0.00001; gnomAD exomes 0.00001; TOPMed 0.00001.
gnomAD v4.1: 10 of 1,611,404 alleles (0.00062%); highest among the groups gnomAD compares: Middle Eastern, 0.016%; no homozygotes.

Submissions (2):

PreventionGenetics, part of Exact Sciences
Classification: Likely benign for ADGRV1-related condition. Last evaluated: 2026-02-24. Review status: criteria provided, single submitter. Criteria: ACMG Guidelines, 2015. Collection method: clinical testing. Allele origin: germline.
Comment: This variant is classified as likely benign based on ACMG/AMP sequence variant interpretation guidelines (Richards et al. 2015 PMID: 25741868, with internal and published modifications).

Labcorp Genetics (formerly Invitae), Labcorp
Classification: Likely benign. Last evaluated: 2025-12-21. Review status: criteria provided, single submitter. Criteria: Invitae Variant Classification Sherloc (09022015). Collection method: clinical testing. Allele origin: germline.